The following is an entry in ClinVar:

ClinVar aggregate classification (germline): Uncertain significance (1 of 4 stars; one submission).

Conditions:
Hereditary cancer-predisposing syndrome. Also called: Neoplastic Syndromes, Hereditary; Tumor predisposition; Hereditary Cancer Syndrome; Hereditary neoplastic syndrome. Identifiers: Orphanet 140162, MedGen C0027672, MeSH D009386, MONDO:0015356.

Submission:

Ambry Genetics
Classification: Uncertain significance for Hereditary cancer-predisposing syndrome. Last evaluated: 2026-03-09. Review status: criteria provided, single submitter. Criteria: Ambry Variant Classification Scheme 2023. Collection method: clinical testing. Allele origin: germline.
Comment: The p.N1172H variant (also known as c.3514A>C), located in coding exon 23 of the RAD50 gene, results from an A to C substitution at nucleotide position 3514. The asparagine at codon 1172 is replaced by histidine, an amino acid with similar properties. This amino acid position is conserved. In addition, this alteration is predicted to be tolerated by in silico analysis. Based on the available evidence, the clinical significance of this variant remains unclear.

NM_005732.4(RAD50):c.3514A>C (p.Asn1172His)

Genes: RAD50 (RAD50 double strand break repair protein; plus strand), TH2-LCR (Th2 cytokine locus control region; plus strand), TH2LCRR (T helper type 2 locus control region associated RNA; minus strand). Cytogenetic location: 5q31.1.
Variant type: single nucleotide variant.
Coding change: c.3514A>C on transcript NM_005732.4 (MANE Select); coding-DNA position 3514, A replaced by C.
Protein change: p.Asn1172His; replaces asparagine 1172 with histidine.
Molecular consequence: missense variant. On other transcripts: non-coding transcript variant (2).
Genome position (GRCh38, 1-based): chr5:132,638,119, A>C. VCF-style: chr5-132638119-A-C. GRCh37 (hg19) VCF-style: chr5-131973811-A-C.
Other names: short protein forms N1172H.
Identifiers: ClinVar variation 4826864 (VCV004826864.1).